The following is an entry in ClinVar:

NM_032043.3(BRIP1):c.2338A>C (p.Ile780Leu)

Gene: BRIP1 (BRCA1 interacting DNA helicase 1; minus strand). Cytogenetic location: 17q23.2.
Variant type: single nucleotide variant.
Coding change: c.2338A>C on transcript NM_032043.3 (MANE Select); coding-DNA position 2338, A replaced by C.
Protein change: p.Ile780Leu; replaces isoleucine 780 with leucine.
Molecular consequence: missense variant.
Genome position (GRCh38, 1-based): chr17:61,743,054, T>G on the plus strand (A>C on the coding strand, the complement: BRIP1 is on the minus strand). VCF-style: chr17-61743054-T-G. GRCh37 (hg19) VCF-style: chr17-59820415-T-G.
Other names: short protein forms I780L.
Identifiers: ClinVar variation 821116 (VCV000821116.10), dbSNP rs776131401, ClinGen allele CA8690549.
Genomic context (GRCh38, chr17:61,743,054, plus strand): 5'-TAAGGTTTTGATGGCCTACCTGTAGATCTTTCACATTTGGAAAAGGAATTCCTATTGTTA[T>G]GACAGCACGGGCATTGTCATCTGAGAAATCCAGACCCTCACTCACTTTACCACGACAAAC-3'
Protein context (NP_114432.2, residues 770-790): DFSDDNARAV[Ile780Leu]TIGIPFPNVK

ClinVar aggregate classification (germline): Uncertain significance. Review status: criteria provided, multiple submitters, no conflicts (2 of 4 stars). 2 submissions from 2 submitters: Uncertain significance (2). Last evaluated 2021-09-01.

Conditions:
Familial cancer of breast. Also called: Hereditary breast cancer; hereditary breast carcinoma; BREAST CANCER, FAMILIAL. Identifiers: Orphanet 227535, MedGen C0346153, MONDO:0016419, OMIM 114480. Disease mechanism: loss of function.
Fanconi anemia complementation group J. Also called: BRIP1-Related Fanconi Anemia. Identifiers: Orphanet 84, MedGen C1836860, MONDO:0012187, OMIM 609054.
Hereditary cancer-predisposing syndrome. Also called: Hereditary Cancer Syndrome; Neoplastic Syndromes, Hereditary; Hereditary neoplastic syndrome; Tumor predisposition. Identifiers: Orphanet 140162, MedGen C0027672, MeSH D009386, MONDO:0015356.

Allele frequency attached by ClinVar (database versions not stated): ExAC 0.00001; gnomAD exomes 0.00001.
gnomAD v4.1: 2 of 1,614,072 alleles (0.00012%); highest among the groups gnomAD compares: South Asian, 0.0022%; no homozygotes.

Submissions (2):

Labcorp Genetics (formerly Invitae), Labcorp
Classification: Uncertain significance for Familial cancer of breast; Fanconi anemia complementation group J. Last evaluated: 2021-09-01. Review status: criteria provided, single submitter. Criteria: Invitae Variant Classification Sherloc (09022015). Collection method: clinical testing. Allele origin: germline.
Comment: This sequence change replaces isoleucine with leucine at codon 780 of the BRIP1 protein (p.Ile780Leu). The isoleucine residue is moderately conserved and there is a small physicochemical difference between isoleucine and leucine. This variant is present in population databases (rs776131401, ExAC 0.006%). This variant has not been reported in the literature in individuals affected with BRIP1-related conditions. ClinVar contains an entry for this variant (Variation ID: 821116). Algorithms developed to predict the effect of missense changes on protein structure and function (SIFT, PolyPhen-2, Align-GVGD) all suggest that this variant is likely to be tolerated. In summary, the available evidence is currently insufficient to determine the role of this variant in disease. Therefore, it has been classified as a Variant of Uncertain Significance.

Ambry Genetics
Classification: Uncertain significance for Hereditary cancer-predisposing syndrome. Last evaluated: 2019-04-23. Review status: criteria provided, single submitter. Criteria: Ambry Variant Classification Scheme 2023. Collection method: clinical testing. Allele origin: germline.
Comment: The p.I780L variant (also known as c.2338A>C), located in coding exon 15 of the BRIP1 gene, results from an A to C substitution at nucleotide position 2338. The isoleucine at codon 780 is replaced by leucine, an amino acid with highly similar properties. This amino acid position is not well conserved in available vertebrate species. In addition, the in silico prediction for this alteration is inconclusive. Since supporting evidence is limited at this time, the clinical significance of this alteration remains unclear.